The following is an entry in ClinVar:

ClinVar aggregate classification (germline): Conflicting classifications of pathogenicity. Review status: criteria provided, conflicting classifications (1 of 4 stars). 3 submissions from 3 submitters: Likely pathogenic (2); Uncertain significance (1). Last evaluated 2026-08-18.

Conditions:
Mitochondrial DNA depletion syndrome 1. Also called: Mitochondrial Neurogastrointestinal Encephalopathy Disease; MITOCHONDRIAL NEUROGASTROINTESTINAL ENCEPHALOPATHY SYNDROME, TYMP-RELATED; MNGIE, TYMP-RELATED; Mitochondrial DNA Depletion Syndrome, MNGIE Form; Mitochondrial DNA depletion syndrome 1 (MNGIE type); Mitochondrial neurogastrointestinal encephalomyopathy syndrome. Identifiers: Orphanet 298, MedGen C4551995, MONDO:0011283, OMIM 603041.

Allele frequency attached by ClinVar (database versions not stated): TOPMed 0.00001.
gnomAD v4.1: 16 of 1,613,250 alleles (0.00099%); highest among the groups gnomAD compares: African/African-American, 0.0013%; no homozygotes.

Submissions (3):

Myriad Genetics, Inc.
Classification: Likely pathogenic for Mitochondrial DNA depletion syndrome 1. Last evaluated: 2026-08-18. Review status: criteria provided, single submitter. Criteria: Myriad Autosomal Dominant, Autosomal Recessive and X-Linked Classification Criteria (2023). Collection method: clinical testing. Allele origin: unknown.
Comment: NM_001953.4(TYMP):c.391C>A(P131T) is a missense variant classified as likely pathogenic in the context of mitochondrial neurogastrointestinal encephalopathy disease. P131T has been observed in a case with relevant disease (PMID: 32849836). Relevant functional assessments of this variant are not available in the literature. Internal structural analysis of the variant is supportive of pathogenicity. P131T has not been observed in referenced population frequency databases. In summary, NM_001953.4(TYMP):c.391C>A(P131T) is a missense variant that has internal structural support for pathogenicity and has been observed more frequently in cases with the relevant disease than in healthy populations. Please note: this variant was assessed in the context of healthy population screening.

Labcorp Genetics (formerly Invitae), Labcorp
Classification: Uncertain significance. Last evaluated: 2022-03-29. Review status: criteria provided, single submitter. Criteria: Invitae Variant Classification Sherloc (09022015). Collection method: clinical testing. Allele origin: germline.
Comment: This sequence change replaces proline, which is neutral and non-polar, with threonine, which is neutral and polar, at codon 131 of the TYMP protein (p.Pro131Thr). This variant is not present in population databases (gnomAD no frequency). This missense change has been observed in individual(s) with TYMP-related conditions (PMID: 32849836). ClinVar contains an entry for this variant (Variation ID: 215342). Advanced modeling of protein sequence and biophysical properties (such as structural, functional, and spatial information, amino acid conservation, physicochemical variation, residue mobility, and thermodynamic stability) performed at Invitae indicates that this missense variant is expected to disrupt TYMP protein function. In summary, the available evidence is currently insufficient to determine the role of this variant in disease. Therefore, it has been classified as a Variant of Uncertain Significance.

Department of Pathophysiology and Transplantation, University of Milan
Classification: Likely pathogenic for Mitochondrial DNA depletion syndrome 1. Last evaluated: 2020-07-04. Review status: criteria provided, single submitter. Criteria: ACMG Guidelines, 2015. Collection method: clinical testing. Allele origin: germline. Affected: yes.

Literature cited by the submitters: PubMed 32849836 (cited by Myriad Genetics, Inc. and Labcorp Genetics (formerly Invitae), Labcorp).

NM_001953.5(TYMP):c.391C>A (p.Pro131Thr)

Gene: TYMP (thymidine phosphorylase; minus strand). Cytogenetic location: 22q13.33.
Variant type: single nucleotide variant.
Coding change: c.391C>A on transcript NM_001953.5 (MANE Select); coding-DNA position 391, C replaced by A.
Protein change: p.Pro131Thr; replaces proline 131 with threonine.
Molecular consequence: missense variant.
Genome position (GRCh38, 1-based): chr22:50,529,162, G>T on the plus strand (C>A on the coding strand, the complement: TYMP is on the minus strand). VCF-style: chr22-50529162-G-T. GRCh37 (hg19) VCF-style: chr22-50967591-G-T.
Other names: c.391C>A, p.Pro131Thr (NM_001113755.3, NM_001113756.3, NM_001257988.1 and 1 more transcripts); short protein forms P131T.
Identifiers: ClinVar variation 215342 (VCV000215342.4), dbSNP rs863224255, ClinGen allele CA320183.